The following is an entry in ClinVar:

ClinVar aggregate classification (germline): Likely pathogenic (1 of 4 stars; one submission).

Conditions:
Imerslund-Grasbeck syndrome type 1 (IGS1). Also called: Megaloblastic anemia 1, Finnish type; MEGALOBLASTIC ANEMIA, 1; Imerslund-Gräsbeck syndrome 1. Identifiers: MedGen C4016819, MONDO:0100156, OMIM 261100.
Proteinuria, chronic benign. Identifiers: MedGen C5394384, MONDO:0030042, OMIM 618884.

Submission:

First Genomix Gene Laboratory, Genetic Diagnostics Department
Classification: Likely pathogenic for Proteinuria, chronic benign; Imerslund-Grasbeck syndrome type 1. Last evaluated: 2025-09-22. Review status: criteria provided, single submitter. Criteria: ACMG Guidelines, 2015. Collection method: clinical testing. Allele origin: germline. Inheritance: Autosomal recessive inheritance. Affected: no. Observed: 1 variant allele.

NM_001081.4(CUBN):c.5339_5340del (p.Phe1780fs)

Gene: CUBN (cubilin; minus strand). Cytogenetic location: 10p13.
Variant type: Deletion.
Coding change: c.5339_5340del on transcript NM_001081.4 (MANE Select); coding-DNA positions 5339 to 5340, 2 bases deleted (TT; older notation c.5339_5340delTT).
Protein change: p.Phe1780fs; shifts the reading frame from phenylalanine 1780.
Molecular consequence: frameshift variant.
Genome position (GRCh38, 1-based): chr10:16,947,237-16,947,238, AA deleted on the plus strand (TT on the coding strand, the reverse complement: CUBN is on the minus strand); deleting any 2 consecutive bases within chr10:16,947,237-16,947,240 gives the same sequence; the c. name uses the placement nearest the transcript's 3' end. VCF-style (leftmost placement, unchanged base first): chr10-16947236-TAA-T. GRCh37 (hg19) VCF-style: chr10-16989235-TAA-T.
Other names: short protein forms F1780fs.
Identifiers: ClinVar variation 4850423 (VCV004850423.1).
Genomic context (GRCh38, chr10:16,947,236, plus strand): 5'-GAACTTCTTTCCTACAGATTCATTAGCACTGAAACAATACACCATAAAAAAGGATTTACA[TAA>T]AAGACAGCTGGAGCCGGTTGCCAGGGGAACTGACGATGTTCCAGACACATTCCACATTAG-3'